The following is an entry in ClinVar:

NM_004820.5(CYP7B1):c.953T>G (p.Val318Gly)

Gene: CYP7B1 (cytochrome P450 family 7 subfamily B member 1; minus strand). Cytogenetic location: 8q12.3.
Variant type: single nucleotide variant.
Coding change: c.953T>G on transcript NM_004820.5 (MANE Select); coding-DNA position 953, T replaced by G.
Protein change: p.Val318Gly; replaces valine 318 with glycine.
Molecular consequence: missense variant.
Genome position (GRCh38, 1-based): chr8:64,615,130, A>C on the plus strand (T>G on the coding strand, the complement: CYP7B1 is on the minus strand). VCF-style: chr8-64615130-A-C. GRCh37 (hg19) VCF-style: chr8-65527687-A-C.
Other names: c.953T>G, p.Val318Gly (NM_001324112.2); c.953T>G (NM_004820.3); short protein forms V318G.
Identifiers: ClinVar variation 594801 (VCV000594801.11), dbSNP rs752671180, ClinGen allele CA4764101.

ClinVar aggregate classification (germline): Uncertain significance. Review status: criteria provided, multiple submitters, no conflicts (2 of 4 stars). 4 submissions from 4 submitters: Uncertain significance (4). Last evaluated 2025-01-27.

Conditions:
Inborn genetic diseases. Identifiers: MedGen C0950123, MeSH D030342.
Hereditary spastic paraplegia. Also called: Familial spastic paraparesis. Identifiers: Orphanet 685, MedGen C0037773, MONDO:0019064. Disease mechanism: loss of function.
CYP7B1-related disorder. Also called: CYP7B1-related condition.

gnomAD v4.1: 40 of 1,613,524 alleles (0.0025%); highest among the groups gnomAD compares: South Asian, 0.044%; 1 homozygote.

Submissions (4):

PreventionGenetics, part of Exact Sciences
Classification: Uncertain significance for CYP7B1-related condition. Last evaluated: 2025-01-27. Review status: criteria provided, single submitter. Criteria: ACMG Guidelines, 2015. Collection method: clinical testing. Allele origin: germline.
Comment: The CYP7B1 c.953T>G variant is predicted to result in the amino acid substitution p.Val318Gly. To our knowledge, this variant has not been reported in the literature. This variant is reported in 0.033% of alleles in individuals of South Asian descent in gnomAD. At this time, the clinical significance of this variant is uncertain due to the absence of conclusive functional and genetic evidence.

Ambry Genetics
Classification: Uncertain significance for Inborn genetic diseases. Last evaluated: 2022-06-24. Review status: criteria provided, single submitter. Criteria: Ambry Variant Classification Scheme 2023. Collection method: clinical testing. Allele origin: germline.

Genome Diagnostics Laboratory, The Hospital for Sick Children
Classification: Uncertain significance for Hereditary spastic paraplegia. Last evaluated: 2021-10-01. Review status: criteria provided, single submitter. Criteria: ACMG Guidelines, 2015. Collection method: clinical testing. Allele origin: germline. Affected: yes.

Eurofins Ntd Llc (ga)
Classification: Uncertain significance. Last evaluated: 2017-11-13. Review status: criteria provided, single submitter. Criteria: EGL Classification Definitions 2015. Collection method: clinical testing. Allele origin: germline. Observed: 2 variant alleles, 2 heterozygotes.